The following is an entry in ClinVar:

NM_006031.6(PCNT):c.5699G>A (p.Arg1900His)

Gene: PCNT (pericentrin; plus strand). Cytogenetic location: 21q22.3.
Variant type: single nucleotide variant.
Coding change: c.5699G>A on transcript NM_006031.6 (MANE Select); coding-DNA position 5699, G replaced by A.
Protein change: p.Arg1900His; replaces arginine 1900 with histidine.
Molecular consequence: missense variant.
Genome position (GRCh38, 1-based): chr21:46,411,772, G>A. VCF-style: chr21-46411772-G-A. GRCh37 (hg19) VCF-style: chr21-47831686-G-A.
Other names: c.5345G>A, p.Arg1782His (NM_001315529.2); short protein forms R1782H, R1900H.
Identifiers: ClinVar variation 2635884 (VCV002635884.3), dbSNP rs200927076, ClinGen allele CA10080065.

ClinVar aggregate classification (germline): Uncertain significance (0 of 4 stars; one submission).

Conditions:
PCNT-related disorder. Also called: PCNT-related condition.

Allele frequency attached by ClinVar (database versions not stated): ExAC 0.00007.
gnomAD v4.1: 35 of 1,606,008 alleles (0.0022%); highest among the groups gnomAD compares: African/African-American, 0.0027%; no homozygotes.

Submission:

PreventionGenetics, part of Exact Sciences
Classification: Uncertain significance for PCNT-related condition. Last evaluated: 2023-12-11. Review status: no assertion criteria provided. Collection method: clinical testing. Allele origin: germline.
Comment: The PCNT c.5699G>A variant is predicted to result in the amino acid substitution p.Arg1900His. To our knowledge, this variant has not been reported in the literature. This variant is reported in 0.0076% of alleles in individuals of African descent in gnomAD. At this time, the clinical significance of this variant is uncertain due to the absence of conclusive functional and genetic evidence.